The following is an entry in ClinVar:

ClinVar aggregate classification (germline): Uncertain significance (1 of 4 stars; one submission).

Allele frequency attached by ClinVar (database versions not stated): ExAC 0.00001; gnomAD exomes 0.00001; TOPMed 0.00001.
gnomAD v4.1: 14 of 1,614,148 alleles (0.00087%); highest among the groups gnomAD compares: African/African-American, 0.004%; no homozygotes.

Submission:

Labcorp Genetics (formerly Invitae), Labcorp
Classification: Uncertain significance. Last evaluated: 2024-10-08. Review status: criteria provided, single submitter. Criteria: Invitae Variant Classification Sherloc (09022015). Collection method: clinical testing. Allele origin: germline.
Comment: This sequence change replaces serine, which is neutral and polar, with cysteine, which is neutral and slightly polar, at codon 1591 of the COL4A2 protein (p.Ser1591Cys). This variant is present in population databases (rs569625788, gnomAD 0.006%). This variant has not been reported in the literature in individuals affected with COL4A2-related conditions. ClinVar contains an entry for this variant (Variation ID: 1899379). Invitae Evidence Modeling of protein sequence and biophysical properties (such as structural, functional, and spatial information, amino acid conservation, physicochemical variation, residue mobility, and thermodynamic stability) has been performed for this missense variant. However, the output from this modeling did not meet the statistical confidence thresholds required to predict the impact of this variant on COL4A2 protein function. In summary, the available evidence is currently insufficient to determine the role of this variant in disease. Therefore, it has been classified as a Variant of Uncertain Significance.

NM_001846.4(COL4A2):c.4772C>G (p.Ser1591Cys)

Genes: COL4A2 (collagen type IV alpha 2 chain; plus strand), COL4A2-AS1 (COL4A2 antisense RNA 1; minus strand). Cytogenetic location: 13q34.
Variant type: single nucleotide variant.
Coding change: c.4772C>G on transcript NM_001846.4 (MANE Select); coding-DNA position 4772, C replaced by G.
Protein change: p.Ser1591Cys; replaces serine 1591 with cysteine.
Molecular consequence: missense variant. On other transcripts: non-coding transcript variant (1).
Genome position (GRCh38, 1-based): chr13:110,508,112, C>G. VCF-style: chr13-110508112-C-G. GRCh37 (hg19) VCF-style: chr13-111160459-C-G.
Other names: short protein forms S1591C.
Identifiers: ClinVar variation 1899379 (VCV001899379.5), dbSNP rs569625788, ClinGen allele CA7050649.
Genomic context (GRCh38, chr13:110,508,112, plus strand): 5'-CGCCGCTGCCCATGATGCCCGTGGCCGAGGACGAGATCAAGCCCTACATCAGCCGCTGTT[C>G]TGTGTGTGAGGCCCCGGCCATCGCCATCGCGGTCCACAGTCAGGATGTCTCCATCCCACA-3'
Protein context (NP_001837.2, residues 1581-1601): DEIKPYISRC[Ser1591Cys]VCEAPAIAIA